The following is an entry in ClinVar:

ClinVar aggregate classification (germline): Benign/Likely benign. Review status: criteria provided, multiple submitters, no conflicts (2 of 4 stars). 2 submissions from 2 submitters: Benign (1); Likely benign (1). Last evaluated 2024-09-12.

Conditions:
Hereditary cancer-predisposing syndrome. Also called: Hereditary neoplastic syndrome; Tumor predisposition; Neoplastic Syndromes, Hereditary; Hereditary Cancer Syndrome. Identifiers: Orphanet 140162, MedGen C0027672, MeSH D009386, MONDO:0015356.
Hereditary diffuse gastric adenocarcinoma (HDGC). Also called: DIFFUSE GASTRIC AND LOBULAR BREAST CANCER SYNDROME. Identifiers: Orphanet 26106, MedGen C1708349, MONDO:0007648, OMIM 137215.

Submissions (2):

Myriad Genetics, Inc.
Classification: Benign for Hereditary diffuse gastric adenocarcinoma. Last evaluated: 2024-09-12. Review status: criteria provided, single submitter. Criteria: Myriad Autosomal Dominant, Autosomal Recessive and X-Linked Classification Criteria (2023). Collection method: clinical testing. Allele origin: unknown.
Comment: This variant is considered benign. This variant is a silent/synonymous amino acid change and it is not expected to impact splicing.

Ambry Genetics
Classification: Likely benign for Hereditary cancer-predisposing syndrome. Last evaluated: 2022-12-19. Review status: criteria provided, single submitter. Criteria: Ambry Variant Classification Scheme 2023. Collection method: clinical testing. Allele origin: germline.

NM_004360.5(CDH1):c.348G>A (p.Leu116=)

Gene: CDH1 (cadherin 1; plus strand). Cytogenetic location: 16q22.1.
Variant type: single nucleotide variant.
Coding change: c.348G>A on transcript NM_004360.5 (MANE Select); coding-DNA position 348, G replaced by A.
Protein change: p.Leu116=; no amino-acid change (leucine 116 retained).
Molecular consequence: synonymous variant. On other transcripts: 5 prime UTR variant (2).
Genome position (GRCh38, 1-based): chr16:68,801,854, G>A. VCF-style: chr16-68801854-G-A. GRCh37 (hg19) VCF-style: chr16-68835757-G-A.
Other names: c.348G>A, p.Leu116= (NM_001317184.2); c.-1268G>A (NM_001317185.2); c.-1472G>A (NM_001317186.2).
Identifiers: ClinVar variation 2453326 (VCV002453326.3), dbSNP rs2152126991, ClinGen allele CA496152696.